The following is an entry in ClinVar:

NM_001379403.1(WDR26):c.1865+1G>A

Gene: WDR26 (WD repeat domain 26; minus strand). Cytogenetic location: 1q42.11.
Variant type: single nucleotide variant.
Coding change: c.1865+1G>A on transcript NM_001379403.1 (MANE Select); the canonical splice donor site of the intron after coding-DNA position 1865, G replaced by A.
Molecular consequence: splice donor variant.
Genome position (GRCh38, 1-based): chr1:224,398,888, C>T on the plus strand (G>A on the coding strand, the complement: WDR26 is on the minus strand). VCF-style: chr1-224398888-C-T. GRCh37 (hg19) VCF-style: chr1-224586590-C-T.
Other names: c.1517+1G>A (NM_001115113.3); c.1565+1G>A (NM_025160.7).
Identifiers: ClinVar variation 4886773 (VCV004886773.1).
Genomic context (GRCh38, chr1:224,398,888, plus strand): 5'-CCACTACACATTTGAATATAAATCAGGTAATTGTTGTTTAATGGAAACAAAAAATAGTTA[C>T]ATGTTCCTATCTGTAAGGTCCTCGAAGTTATAGCCCCGAATTCGCTGGTGTGTATCTGAT-3'

ClinVar aggregate classification (germline): Likely pathogenic (1 of 4 stars; one submission).

Conditions:
Skraban-Deardorff syndrome. Also called: INTELLECTUAL DISABILITY WITH SEIZURES, ABNORMAL GAIT, AND DISTINCTIVE FACIAL FEATURES; WDR26-Related Intellectual Disability. Identifiers: Orphanet 513456, MedGen C4539927, MONDO:0054636, OMIM 617616.

Submission:

EVOGEN
Classification: Likely pathogenic for Skraban-Deardorff syndrome. Last evaluated: 2025-09-29. Review status: criteria provided, single submitter. Criteria: ACMG Guidelines, 2015. Collection method: clinical testing. Allele origin: de novo. Inheritance: Autosomal dominant inheritance. Affected: yes.
Comment: PVS1_Very Strong: Null variant (intronic within ±2 of splice site) in gene WDR26. Loss-of-function is a known mechanism of disease (gene has 56 reported pathogenic LOF variants). PM2_Supportin: Variant not found in gnomAD genomes, good gnomAD genomes coverage = 31.0. Variant not found in gnomAD exomes, good gnomAD exomes coverage = 31.0.